The following is an entry in ClinVar:

ClinVar aggregate classification (germline): Uncertain significance (1 of 4 stars; one submission).

Conditions:
Hereditary cancer-predisposing syndrome. Also called: Neoplastic Syndromes, Hereditary; Tumor predisposition; Hereditary Cancer Syndrome; Hereditary neoplastic syndrome. Identifiers: Orphanet 140162, MedGen C0027672, MeSH D009386, MONDO:0015356.

Submission:

Ambry Genetics
Classification: Uncertain significance for Hereditary cancer-predisposing syndrome. Last evaluated: 2026-03-24. Review status: criteria provided, single submitter. Criteria: Ambry Variant Classification Scheme 2023. Collection method: clinical testing. Allele origin: germline.
Comment: The p.L39F variant (also known as c.117G>T), located in coding exon 1 of the MEN1 gene, results from a G to T substitution at nucleotide position 117. The leucine at codon 39 is replaced by phenylalanine, an amino acid with highly similar properties. This amino acid position is conserved. In addition, this alteration is predicted to be deleterious by in silico analysis. Based on the available evidence, the clinical significance of this variant remains unclear.

NM_001370259.2(MEN1):c.117G>T (p.Leu39Phe)

Gene: MEN1 (menin 1; minus strand). Cytogenetic location: 11q13.1.
Variant type: single nucleotide variant.
Coding change: c.117G>T on transcript NM_001370259.2 (MANE Select); coding-DNA position 117, G replaced by T.
Protein change: p.Leu39Phe; replaces leucine 39 with phenylalanine.
Molecular consequence: missense variant. On other transcripts: non-coding transcript variant (4).
Genome position (GRCh38, 1-based): chr11:64,809,993, C>A on the plus strand (G>T on the coding strand, the complement: MEN1 is on the minus strand). VCF-style: chr11-64809993-C-A. GRCh37 (hg19) VCF-style: chr11-64577465-C-A.
Other names: c.117G>T, p.Leu39Phe (NM_001407142.1, NM_001407143.1, NM_001407144.1 and 20 more transcripts); short protein forms L39F.
Identifiers: ClinVar variation 4859895 (VCV004859895.1).